The following is an entry in ClinVar:

NM_024577.4(SH3TC2):c.2429G>A (p.Ser810Asn)

Gene: SH3TC2 (SH3 domain and tetratricopeptide repeats 2; minus strand). Cytogenetic location: 5q32.
Variant type: single nucleotide variant.
Coding change: c.2429G>A on transcript NM_024577.4 (MANE Select); coding-DNA position 2429, G replaced by A.
Protein change: p.Ser810Asn; replaces serine 810 with asparagine.
Molecular consequence: missense variant.
Genome position (GRCh38, 1-based): chr5:149,027,303, C>T on the plus strand (G>A on the coding strand, the complement: SH3TC2 is on the minus strand). VCF-style: chr5-149027303-C-T. GRCh37 (hg19) VCF-style: chr5-148406866-C-T.
Other names: short protein forms S810N.
Identifiers: ClinVar variation 1714112 (VCV001714112.5), dbSNP rs2531771883, ClinGen allele CA361666385.

ClinVar aggregate classification (germline): Uncertain significance (1 of 4 stars; one submission).

Conditions:
Charcot-Marie-Tooth disease type 4. Also called: Charcot-Marie-Tooth disease, type IV; Charcot-Marie-Tooth, Type 4. Identifiers: Orphanet 64749, MedGen C4082197, MONDO:0018995.

Submission:

Labcorp Genetics (formerly Invitae), Labcorp
Classification: Uncertain significance for Charcot-Marie-Tooth disease type 4. Last evaluated: 2022-07-29. Review status: criteria provided, single submitter. Criteria: Invitae Variant Classification Sherloc (09022015). Collection method: clinical testing. Allele origin: germline.
Comment: In summary, the available evidence is currently insufficient to determine the role of this variant in disease. Therefore, it has been classified as a Variant of Uncertain Significance. Advanced modeling of protein sequence and biophysical properties (such as structural, functional, and spatial information, amino acid conservation, physicochemical variation, residue mobility, and thermodynamic stability) performed at Invitae indicates that this missense variant is not expected to disrupt SH3TC2 protein function. This variant has not been reported in the literature in individuals affected with SH3TC2-related conditions. This variant is not present in population databases (gnomAD no frequency). This sequence change replaces serine, which is neutral and polar, with asparagine, which is neutral and polar, at codon 810 of the SH3TC2 protein (p.Ser810Asn).